The following is an entry in ClinVar:

NM_007327.4(GRIN1):c.1334G>A (p.Gly445Asp)

Gene: GRIN1 (glutamate ionotropic receptor NMDA type subunit 1; plus strand). Cytogenetic location: 9q34.3.
Variant type: single nucleotide variant.
Coding change: c.1334G>A on transcript NM_007327.4 (MANE Select); coding-DNA position 1334, G replaced by A.
Protein change: p.Gly445Asp; replaces glycine 445 with aspartic acid.
Molecular consequence: missense variant.
Genome position (GRCh38, 1-based): chr9:137,161,192, G>A. VCF-style: chr9-137161192-G-A. GRCh37 (hg19) VCF-style: chr9-140055644-G-A.
Other names: c.1334G>A (NM_007327.3); c.1334G>A, p.Gly445Asp (NM_000832.7, NM_021569.4); c.1397G>A, p.Gly466Asp (NM_001185090.2, NM_001185091.2); short protein forms G466D, G445D.
Identifiers: ClinVar variation 972960 (VCV000972960.7), dbSNP rs147435860, ClinGen allele CA375716124.
Genomic context (GRCh38, chr9:137,161,192, plus strand): 5'-CAGTCAACGGCGACCCAGTCAAGAAGGTGATCTGCACCGGGCCCAACGACACGTCGCCGG[G>A]CAGCCGTGAGTGCGCGGGGCAGGGCGCGGGGCGCGGGGCAGGGCGCGGGGCGTGGGGCGG-3'
Protein context (NP_015566.1, residues 435-455): ICTGPNDTSP[Gly445Asp]SPRHTVPQCC

ClinVar aggregate classification (germline): Uncertain significance. Review status: criteria provided, multiple submitters, no conflicts (2 of 4 stars). 3 submissions from 3 submitters: Uncertain significance (3). Last evaluated 2024-09-19.

Conditions:
Neurodevelopmental disorder with or without hyperkinetic movements and seizures, autosomal dominant. Also called: Intellectual disability, autosomal dominant 8. Identifiers: MedGen C3280282, MONDO:0013655, OMIM 614254.
Neurodevelopmental disorder with or without hyperkinetic movements and seizures, autosomal recessive. Identifiers: MedGen C4693325, MONDO:0060629, OMIM 617820.

Allele frequency attached by ClinVar (database versions not stated): gnomAD below 0.00001 and 0.00001; gnomAD exomes below 0.00001.
gnomAD v4.1: 2 of 1,608,952 alleles (0.00012%); highest among the groups gnomAD compares: South Asian, 0.0022%; no homozygotes.

Submissions (3):

Women's Health and Genetics/Laboratory Corporation of America, LabCorp
Classification: Uncertain significance. Last evaluated: 2024-09-19. Review status: criteria provided, single submitter. Criteria: LabCorp Variant Classification Summary - May 2015. Collection method: clinical testing. Allele origin: germline.
Comment: Variant summary: GRIN1 c.1334G>A (p.Gly445Asp) results in a non-conservative amino acid change located in the Ionotropic glutamate receptor, C-terminal domain (IPR001320) of the encoded protein sequence. Three of five in-silico tools predict a damaging effect of the variant on protein function. The frequency data for this variant in gnomAD is considered unreliable, as metrics indicate poor data quality at this position. To our knowledge, no occurrence of c.1334G>A in individuals affected with Neurodevelopmental Disorder With Or Without Hyperkinetic Movements And Seizures, Autosomal Dominant and no experimental evidence demonstrating its impact on protein function have been reported. ClinVar contains an entry for this variant (Variation ID: 972960). Based on the evidence outlined above, the variant was classified as uncertain significance.

Neuberg Centre For Genomic Medicine, NCGM
Classification: Uncertain significance for Neurodevelopmental disorder with or without hyperkinetic movements and seizures, autosomal dominant. Last evaluated: 2023-06-22. Review status: criteria provided, single submitter. Criteria: ACMG Guidelines, 2015. Collection method: clinical testing. Allele origin: germline. Inheritance: Autosomal dominant inheritance. Affected: yes.
Comment: The observed missense variant c.1334G>A(p.Gly445Asp) in GRIN1 gene has not been reported previously as a pathogenic variant nor as a benign variant, to our knowledge. The c.1334G>A(p.Gly445Asp) variant is absent in gnomAD Exomes. The amino acid Gly at position 445 is changed to a Asp changing protein sequence and it might alter its composition and physico-chemical properties. Computational evidence (Polyphen-probably damaging, SIFT-tolerated and Mutation Taster-disease causing) predicts conflicting evidence on protein structure and function for this variant. This variant has been reported to the ClinVar database as Uncertain Significance. The reference amino acid p.Gly445Asp in GRIN1 is predicted as conserved by GERP++ and PhyloP across 100 vertebrates. For these reasons, this variant has been classified as Uncertain Significance.

Revvity Omics, Revvity
Classification: Uncertain significance. Last evaluated: 2020-03-18. Review status: criteria provided, single submitter. Criteria: ACMG Guidelines, 2015. Collection method: clinical testing. Allele origin: germline.